The following is an entry in ClinVar:

ClinVar aggregate classification (germline): Benign/Likely benign. Review status: criteria provided, multiple submitters, no conflicts (2 of 4 stars). 7 submissions from 7 submitters: Benign (4); Likely benign (3). Last evaluated 2026-05-11.

Conditions:
Curry-Hall syndrome (WAD). Also called: WEYERS ACRODENTAL DYSOSTOSIS. Identifiers: Orphanet 952, MedGen C0457013, MONDO:0008673, OMIM 193530.
Ellis-van Creveld syndrome (EVC). Also called: MESOECTODERMAL DYSPLASIA; Chondroectodermal dysplasia. Identifiers: Orphanet 289, MedGen C0013903, MONDO:0009162, OMIM 225500.

Allele frequency attached by ClinVar (database versions not stated): gnomAD exomes 0.00160 and 0.00340; ExAC 0.00376; 1000 Genomes Project 0.00759; 1000 Genomes Project 30x 0.00781; gnomAD 0.00807 and 0.00851; TOPMed 0.00836; ESP Exome Variant Server 0.00961.
gnomAD v4.1: 3,682 of 1,614,094 alleles (0.23%); highest among the groups gnomAD compares: African/African-American, 2.4%; 36 homozygotes.

Submissions (19):

Women's Health and Genetics/Laboratory Corporation of America, LabCorp
Classification: Likely benign. Last evaluated: 2026-05-11. Review status: criteria provided, single submitter. Criteria: LabCorp Variant Classification Summary - May 2015. Collection method: clinical testing. Allele origin: germline.

Labcorp Genetics (formerly Invitae), Labcorp
Classification: Benign for Curry-Hall syndrome; Ellis-van Creveld syndrome. Last evaluated: 2026-02-04. Review status: criteria provided, single submitter. Criteria: Invitae Variant Classification Sherloc (09022015). Collection method: clinical testing. Allele origin: germline.

ARUP Laboratories, Molecular Genetics and Genomics, ARUP Laboratories
Classification: Benign. Last evaluated: 2023-11-28. Review status: criteria provided, single submitter. Criteria: ARUP Molecular Germline Variant Investigation Process 2024. Collection method: clinical testing. Allele origin: germline.

Illumina Laboratory Services, Illumina
Classification: Benign for Ellis-van Creveld syndrome. Last evaluated: 2018-01-13. Review status: criteria provided, single submitter. Criteria: ICSL Variant Classification Criteria 13 December 2019. Collection method: clinical testing. Allele origin: germline.
Comment: This variant was observed in the ICSL laboratory as part of a predisposition screen in an ostensibly healthy population. It had not been previously curated by ICSL or reported in the Human Gene Mutation Database (HGMD: prior to June 1st, 2018), and was therefore a candidate for classification through an automated scoring system. Utilizing variant allele frequency, disease prevalence and penetrance estimates, and inheritance mode, an automated score was calculated to assess if this variant is too frequent to cause the disease. Based on the score and internal cut-off values, a variant classified as benign is not then subjected to further curation. The score for this variant resulted in a classification of benign for this disease.

GeneDx
Classification: Benign. Last evaluated: 2017-09-07. Review status: criteria provided, single submitter. Criteria: GeneDx Variant Classification (06012015). Collection method: clinical testing. Allele origin: germline. Affected: yes.
Comment: This variant is considered likely benign or benign based on one or more of the following criteria: it is a conservative change, it occurs at a poorly conserved position in the protein, it is predicted to be benign by multiple in silico algorithms, and/or has population frequency not consistent with disease.

Center for Pediatric Genomic Medicine, Children's Mercy Hospital and Clinics
Classification: Likely benign. Last evaluated: 2017-03-20. Review status: criteria provided, single submitter. Criteria: ACMG Guidelines, 2015. Collection method: clinical testing. Allele origin: germline.

Breakthrough Genomics
Classification: Likely benign. Review status: criteria provided, single submitter. Criteria: ACMG Guidelines, 2015. Collection method: not provided. Allele origin: germline. Inheritance: Autosomal recessive inheritance. Affected: yes.

Dr. Peter K. Rogan Lab, Western University
No classification provided (evidence only). Condition: Lung cancer. Review status: no classification provided. Collection method: in vitro. Allele origin: not applicable. Functional consequence: retained intron. Not counted in ClinVar's aggregate classification.

Dr. Peter K. Rogan Lab, Western University
No classification provided (evidence only). Condition: Melanoma. Review status: no classification provided. Collection method: in vitro. Allele origin: not applicable. Functional consequence: skipped exon. Not counted in ClinVar's aggregate classification.

Dr. Peter K. Rogan Lab, Western University
No classification provided (evidence only). Condition: Thyroid cancer, nonmedullary, 1. Review status: no classification provided. Collection method: in vitro. Allele origin: not applicable. Functional consequence: skipped exon. Not counted in ClinVar's aggregate classification.

Dr. Peter K. Rogan Lab, Western University
No classification provided (evidence only). Condition: Cervical cancer. Review status: no classification provided. Collection method: in vitro. Allele origin: not applicable. Functional consequence: retained intron. Not counted in ClinVar's aggregate classification.

Dr. Peter K. Rogan Lab, Western University
No classification provided (evidence only). Condition: Cervical cancer. Review status: no classification provided. Collection method: in vitro. Allele origin: not applicable. Functional consequence: skipped exon. Not counted in ClinVar's aggregate classification.

Dr. Peter K. Rogan Lab, Western University
No classification provided (evidence only). Condition: Cervical cancer. Review status: no classification provided. Collection method: in vitro. Allele origin: not applicable. Functional consequence: skipped exon. Not counted in ClinVar's aggregate classification.

Dr. Peter K. Rogan Lab, Western University
No classification provided (evidence only). Condition: Cervical cancer. Review status: no classification provided. Collection method: in vitro. Allele origin: not applicable. Functional consequence: retained intron. Not counted in ClinVar's aggregate classification.

Dr. Peter K. Rogan Lab, Western University
No classification provided (evidence only). Condition: Sarcoma. Review status: no classification provided. Collection method: in vitro. Allele origin: not applicable. Functional consequence: skipped exon. Not counted in ClinVar's aggregate classification.

Dr. Peter K. Rogan Lab, Western University
No classification provided (evidence only). Condition: Sarcoma. Review status: no classification provided. Collection method: in vitro. Allele origin: not applicable. Functional consequence: skipped exon. Not counted in ClinVar's aggregate classification.

Dr. Peter K. Rogan Lab, Western University
No classification provided (evidence only). Condition: Malignant lymphoma, large B-cell, diffuse. Review status: no classification provided. Collection method: in vitro. Allele origin: not applicable. Functional consequence: skipped exon. Not counted in ClinVar's aggregate classification.

Dr. Peter K. Rogan Lab, Western University
No classification provided (evidence only). Condition: Malignant tumor of esophagus. Review status: no classification provided. Collection method: in vitro. Allele origin: not applicable. Functional consequence: retained intron. Not counted in ClinVar's aggregate classification.

Dr. Peter K. Rogan Lab, Western University
No classification provided (evidence only). Condition: Lung cancer. Review status: no classification provided. Collection method: in vitro. Allele origin: not applicable. Functional consequence: skipped exon. Not counted in ClinVar's aggregate classification.

NM_147127.5(EVC2):c.3138C>G (p.Ser1046Arg)

Gene: EVC2 (EvC ciliary complex subunit 2; minus strand). Cytogenetic location: 4p16.2.
Variant type: single nucleotide variant.
Coding change: c.3138C>G on transcript NM_147127.5 (MANE Select); coding-DNA position 3138, C replaced by G.
Protein change: p.Ser1046Arg; replaces serine 1046 with arginine.
Molecular consequence: missense variant.
Genome position (GRCh38, 1-based): chr4:5,576,374, G>C on the plus strand (C>G on the coding strand, the complement: EVC2 is on the minus strand). VCF-style: chr4-5576374-G-C. GRCh37 (hg19) VCF-style: chr4-5578101-G-C.
Other names: c.2898C>G, p.Ser966Arg (NM_001166136.2); short protein forms S1046R, S966R.
Identifiers: ClinVar variation 348989 (VCV000348989.26), dbSNP rs73074138, ClinGen allele CA2834435.